The following is an entry in ClinVar:

NM_022361.5(POPDC3):c.486-1_486delinsAA

Genes: POPDC1-AS1 (POPDC1 antisense RNA 1; plus strand), POPDC3 (popeye domain cAMP effector 3; minus strand). Cytogenetic location: 6q21.
Variant type: Indel.
Coding change: c.486-1_486delinsAA on transcript NM_022361.5 (MANE Select); the canonical splice acceptor site of the intron before coding-DNA position 486 through coding-DNA position 486, GG replaced by AA.
Molecular consequence: splice acceptor variant.
Genome position (GRCh38, 1-based): chr6:105,159,819-105,159,820, CC replaced by TT on the plus strand (GG replaced by AA on the coding strand, the reverse complement: POPDC3 is on the minus strand). VCF-style: chr6-105159819-CC-TT. GRCh37 (hg19) VCF-style: chr6-105607694-CC-TT.
Identifiers: ClinVar variation 4862369 (VCV004862369.1).

ClinVar aggregate classification (germline): Uncertain significance (1 of 4 stars; one submission).

Submission:

Ambry Genetics
Classification: Uncertain significance. Last evaluated: 2026-04-28. Review status: criteria provided, single submitter. Criteria: Ambry Variant Classification Scheme 2023. Collection method: clinical testing. Allele origin: germline.
Comment: The c.486-1_486delGGinsAA alteration consists of a deletion of GG and insertion of AA spanning the intron-exon boundary at the splice acceptor site of exon 3 (coding exon 2) of the POPDC3 gene. Variants that disrupt the canonical splice site are expected to result in aberrant splicing. The resulting transcript is predicted to be in-frame and is not expected to trigger nonsense-mediated mRNA decay, although direct evidence is unavailable. Based on data from gnomAD, this variant has an overall frequency of 0.002% (5/282250) total alleles studied. The highest observed frequency was 0.004% (5/128904) of European (non-Finnish) alleles. In silico splice site analysis predicts that this alteration will weaken the native splice acceptor and may result in the creation or strengthening of a novel splice acceptor site. Based on insufficient or conflicting evidence, the clinical significance of this alteration remains unclear.